The following is an entry in ClinVar:

ClinVar aggregate classification (germline): Likely benign. Review status: criteria provided, multiple submitters, no conflicts (2 of 4 stars). 2 submissions from 2 submitters: Likely benign (2). Last evaluated 2024-09-05.

Allele frequency attached by ClinVar (database versions not stated): gnomAD 0.00001; TOPMed 0.00001; gnomAD exomes 0.00002; ExAC 0.00005; 1000 Genomes Project 0.00020; 1000 Genomes Project 30x 0.00031.
gnomAD v4.1: 24 of 1,614,232 alleles (0.0015%); highest among the groups gnomAD compares: Non-Finnish European, 0.0019%; no homozygotes.

Submissions (2):

Labcorp Genetics (formerly Invitae), Labcorp
Classification: Likely benign. Last evaluated: 2024-09-05. Review status: criteria provided, single submitter. Criteria: Invitae Variant Classification Sherloc (09022015). Collection method: clinical testing. Allele origin: germline.

CeGaT Center for Human Genetics Tuebingen
Classification: Likely benign. Last evaluated: 2022-05-01. Review status: criteria provided, single submitter. Criteria: CeGaT Center For Human Genetics Tuebingen Variant Classification Criteria Version 2. Collection method: clinical testing. Allele origin: germline. Affected: yes. Observed: 1 variant allele.
Comment: TSEN34: BP4, BP7

NM_001077446.4(TSEN34):c.498T>G (p.Ser166=)

Gene: TSEN34 (tRNA splicing endonuclease subunit 34; plus strand). Cytogenetic location: 19q13.42.
Variant type: single nucleotide variant.
Coding change: c.498T>G on transcript NM_001077446.4 (MANE Select); coding-DNA position 498, T replaced by G.
Protein change: p.Ser166=; no amino-acid change (serine 166 retained).
Molecular consequence: synonymous variant.
Genome position (GRCh38, 1-based): chr19:54,192,126, T>G. VCF-style: chr19-54192126-T-G. GRCh37 (hg19) VCF-style: chr19-54695977-T-G.
Other names: c.498T>G, p.Ser166= (NM_001282332.2, NM_001282333.2, NM_001386740.1 and 1 more transcripts).
Identifiers: ClinVar variation 2650427 (VCV002650427.27), dbSNP rs201833183, ClinGen allele CA309374570.